The following is an entry in ClinVar:

ClinVar aggregate classification (germline): Uncertain significance. Review status: criteria provided, multiple submitters, no conflicts (2 of 4 stars). 2 submissions from 2 submitters: Uncertain significance (2). Last evaluated 2024-11-14.

Conditions:
Singleton-Merten syndrome 1 (SGMRT1). Also called: Widened medullary cavities of bone, aortic calcification, abnormal dentition, and muscular weakness; Syndrome of widened medullary cavities of the metacarpals and phalanges, aortic calcification and abnormal dentition. Identifiers: Orphanet 85191, MedGen C4225427, MONDO:0024535, OMIM 182250.
Aicardi-Goutieres syndrome 7 (AGS7). Identifiers: Orphanet 51, MedGen C3888244, MONDO:0014367, OMIM 615846.

Allele frequency attached by ClinVar (database versions not stated): gnomAD exomes below 0.00001.

Submissions (2):

GeneDx
Classification: Uncertain significance. Last evaluated: 2024-11-14. Review status: criteria provided, single submitter. Criteria: GeneDx Variant Classification Process June 2021. Collection method: clinical testing. Allele origin: germline. Affected: yes.
Comment: Not observed at significant frequency in large population cohorts (gnomAD); In silico analysis supports that this missense variant has a deleterious effect on protein structure/function; Has not been previously published as pathogenic or benign to our knowledge

Labcorp Genetics (formerly Invitae), Labcorp
Classification: Uncertain significance for Aicardi-Goutieres syndrome 7; Singleton-Merten syndrome 1. Last evaluated: 2020-09-16. Review status: criteria provided, single submitter. Criteria: Invitae Variant Classification Sherloc (09022015). Collection method: clinical testing. Allele origin: germline.
Comment: In summary, the available evidence is currently insufficient to determine the role of this variant in disease. Therefore, it has been classified as a Variant of Uncertain Significance. Algorithms developed to predict the effect of missense changes on protein structure and function are either unavailable or do not agree on the potential impact of this missense change (SIFT: "Deleterious"; PolyPhen-2: "Probably Damaging"; Align-GVGD: "Class C0"). This variant has not been reported in the literature in individuals with IFIH1-related conditions. This variant is not present in population databases (ExAC no frequency). This sequence change replaces glycine with aspartic acid at codon 392 of the IFIH1 protein (p.Gly392Asp). The glycine residue is highly conserved and there is a moderate physicochemical difference between glycine and aspartic acid.

NM_022168.4(IFIH1):c.1175G>A (p.Gly392Asp)

Gene: IFIH1 (interferon induced with helicase C domain 1; minus strand). Cytogenetic location: 2q24.2.
Variant type: single nucleotide variant.
Coding change: c.1175G>A on transcript NM_022168.4 (MANE Select); coding-DNA position 1175, G replaced by A.
Protein change: p.Gly392Asp; replaces glycine 392 with aspartic acid.
Molecular consequence: missense variant.
Genome position (GRCh38, 1-based): chr2:162,282,497, C>T on the plus strand (G>A on the coding strand, the complement: IFIH1 is on the minus strand). VCF-style: chr2-162282497-C-T. GRCh37 (hg19) VCF-style: chr2-163139007-C-T.
Other names: c.1175G>A (NM_022168.3); short protein forms G392D.
Identifiers: ClinVar variation 1026393 (VCV001026393.9), dbSNP rs1304955037, ClinGen allele CA349002919.
Genomic context (GRCh38, chr2:162,282,497, plus strand): 5'-CTGATAATAATATCACAGGACTTGACAACTTCTGGAAATGATATTTTCAGTTGGGTATCA[C>T]CACTTAATCCAATAACACGATACCATTTCTTCAAAAATGGTTGGAACTCCTTGCGGAAGA-3'
Protein context (NP_071451.2, residues 382-402): KKWYRVIGLS[Gly392Asp]DTQLKISFPE